The following is an entry in ClinVar:

NM_000368.5(TSC1):c.1342C>A (p.Pro448Thr)

Gene: TSC1 (TSC complex subunit 1; minus strand). Cytogenetic location: 9q34.13.
Variant type: single nucleotide variant.
Coding change: c.1342C>A on transcript NM_000368.5 (MANE Select); coding-DNA position 1342, C replaced by A.
Protein change: p.Pro448Thr; replaces proline 448 with threonine.
Molecular consequence: missense variant.
Genome position (GRCh38, 1-based): chr9:132,906,827, G>T on the plus strand (C>A on the coding strand, the complement: TSC1 is on the minus strand). VCF-style: chr9-132906827-G-T. GRCh37 (hg19) VCF-style: chr9-135782214-G-T.
Other names: c.1339C>A, p.Pro447Thr (NM_001162426.2); c.1189C>A, p.Pro397Thr (NM_001162427.2); c.979C>A, p.Pro327Thr (NM_001362177.2); short protein forms P327T, P448T, P397T, P447T.
Identifiers: ClinVar variation 1410724 (VCV001410724.6), dbSNP rs118203518, ClinGen allele CA375366045.

ClinVar aggregate classification (germline): Uncertain significance (1 of 4 stars; one submission).

Conditions:
Tuberous sclerosis 1 (TSC1). Identifiers: Orphanet 805, MedGen C1854465, MONDO:0008612, OMIM 191100.

Submission:

Labcorp Genetics (formerly Invitae), Labcorp
Classification: Uncertain significance for Tuberous sclerosis 1. Last evaluated: 2021-08-11. Review status: criteria provided, single submitter. Criteria: Invitae Variant Classification Sherloc (09022015). Collection method: clinical testing. Allele origin: germline.
Comment: This sequence change replaces proline with threonine at codon 448 of the TSC1 protein (p.Pro448Thr). The proline residue is weakly conserved and there is a small physicochemical difference between proline and threonine. This variant is not present in population databases (ExAC no frequency). This variant has not been reported in the literature in individuals affected with TSC1-related conditions. Algorithms developed to predict the effect of missense changes on protein structure and function (SIFT, PolyPhen-2, Align-GVGD) all suggest that this variant is likely to be tolerated. In summary, the available evidence is currently insufficient to determine the role of this variant in disease. Therefore, it has been classified as a Variant of Uncertain Significance.